The following is an entry in ClinVar:

ClinVar aggregate classification (germline): Uncertain significance. Review status: criteria provided, multiple submitters, no conflicts (2 of 4 stars). 2 submissions from 2 submitters: Uncertain significance (2). Last evaluated 2023-08-15.

Conditions:
Hypokalemic periodic paralysis, type 1. Also called: HypoPP; Hypokalemic Periodic Paralysis Type 1 (AD). Identifiers: Orphanet 681, MedGen C3714580, MONDO:0042979, OMIM 170400.
Malignant hyperthermia, susceptibility to, 5 (MHS5). Also called: CACNA1S-Related Malignant Hyperthermia Susceptibility. Identifiers: Orphanet 423, MedGen C1866077, MONDO:0011163, OMIM 601887.

Allele frequency attached by ClinVar (database versions not stated): TOPMed below 0.00001; gnomAD exomes 0.00001.
gnomAD v4.1: 3 of 1,613,474 alleles (0.00019%); highest among the groups gnomAD compares: East Asian, 0.0067%; no homozygotes.

Submissions (2):

All of Us Research Program, National Institutes of Health
Classification: Uncertain significance for Malignant hyperthermia, susceptibility to, 5. Last evaluated: 2023-08-15. Review status: criteria provided, single submitter. Criteria: ACMG Guidelines, 2015. Collection method: clinical testing. Allele origin: germline. Inheritance: Autosomal dominant inheritance. Observed: 1 variant allele, 1 heterozygote.
Comment: This study involves interpretation of variants in research participants for the purpose of population health screening. Participant phenotype was not available at the time of variant classification. Additional details can be found in publication PMID: 35346344, PMCID: PMC8962531

Labcorp Genetics (formerly Invitae), Labcorp
Classification: Uncertain significance for Hypokalemic periodic paralysis, type 1; Malignant hyperthermia, susceptibility to, 5. Last evaluated: 2022-01-12. Review status: criteria provided, single submitter. Criteria: Invitae Variant Classification Sherloc (09022015). Collection method: clinical testing. Allele origin: germline.
Comment: In summary, the available evidence is currently insufficient to determine the role of this variant in disease. Therefore, it has been classified as a Variant of Uncertain Significance. Algorithms developed to predict the effect of missense changes on protein structure and function are either unavailable or do not agree on the potential impact of this missense change (SIFT: "Deleterious"; PolyPhen-2: "Probably Damaging"; Align-GVGD: "Class C0"). ClinVar contains an entry for this variant (Variation ID: 946335). This variant has not been reported in the literature in individuals affected with CACNA1S-related conditions. This variant is present in population databases (no rsID available, gnomAD 0.01%). This sequence change replaces alanine, which is neutral and non-polar, with serine, which is neutral and polar, at codon 924 of the CACNA1S protein (p.Ala924Ser).

NM_000069.3(CACNA1S):c.2770G>T (p.Ala924Ser)

Gene: CACNA1S (calcium voltage-gated channel subunit alpha1 S; minus strand). Cytogenetic location: 1q32.1.
Variant type: single nucleotide variant.
Coding change: c.2770G>T on transcript NM_000069.3 (MANE Select); coding-DNA position 2770, G replaced by T.
Protein change: p.Ala924Ser; replaces alanine 924 with serine.
Molecular consequence: missense variant.
Genome position (GRCh38, 1-based): chr1:201,065,921, C>A on the plus strand (G>T on the coding strand, the complement: CACNA1S is on the minus strand). VCF-style: chr1-201065921-C-A. GRCh37 (hg19) VCF-style: chr1-201035049-C-A.
Other names: short protein forms A924S.
Identifiers: ClinVar variation 946335 (VCV000946335.11), dbSNP rs1442305463, ClinGen allele CA344101704.